The following is an entry in ClinVar:

NM_000090.4(COL3A1):c.3763C>T (p.Arg1255Cys)

Gene: COL3A1 (collagen type III alpha 1 chain; plus strand). Cytogenetic location: 2q32.2.
Variant type: single nucleotide variant.
Coding change: c.3763C>T on transcript NM_000090.4 (MANE Select); coding-DNA position 3763, C replaced by T.
Protein change: p.Arg1255Cys; replaces arginine 1255 with cysteine.
Molecular consequence: missense variant.
Genome position (GRCh38, 1-based): chr2:189,009,161, C>T. VCF-style: chr2-189009161-C-T. GRCh37 (hg19) VCF-style: chr2-189873887-C-T.
Other names: short protein forms R1255C.
Identifiers: ClinVar variation 921592 (VCV000921592.8), dbSNP rs1576473569, ClinGen allele CA349847584.

ClinVar aggregate classification (germline): Conflicting classifications of pathogenicity. Review status: criteria provided, conflicting classifications (1 of 4 stars). 4 submissions from 4 submitters: Likely pathogenic (1); Uncertain significance (3). Last evaluated 2025-05-28.

Conditions:
Ehlers-Danlos syndrome, type 4 (EDSVASC). Also called: Ehlers-Danlos Syndrome Type IV; Ehlers-Danlos syndrome vascular type; Ehlers Danlos syndrome, ecchymotic type; Ehlers Danlos syndrome, arterial type; Ehlers Danlos syndrome, Sack-Barabas type. Identifiers: Orphanet 286, MedGen C0268338, MONDO:0017314, OMIM 130050.
Familial thoracic aortic aneurysm and aortic dissection (TAAD). Also called: Thoracic aortic aneurysms and dissections. Identifiers: Orphanet 91387, MedGen C4707243, MONDO:0019625.
COL3A1-related disorder. Also called: COL3A1-related condition.

Allele frequency attached by ClinVar (database versions not stated): gnomAD exomes below 0.00001.
gnomAD v4.1: 2 of 1,614,170 alleles (0.00012%); highest among the groups gnomAD compares: East Asian, 0.0022%; no homozygotes.

Submissions (4):

Labcorp Genetics (formerly Invitae), Labcorp
Classification: Uncertain significance for Ehlers-Danlos syndrome, type 4. Last evaluated: 2025-05-28. Review status: criteria provided, single submitter. Criteria: Invitae Variant Classification Sherloc (09022015). Collection method: clinical testing. Allele origin: germline.
Comment: This sequence change replaces arginine, which is basic and polar, with cysteine, which is neutral and slightly polar, at codon 1255 of the COL3A1 protein (p.Arg1255Cys). This variant is not present in population databases (gnomAD no frequency). This variant has not been reported in the literature in individuals affected with COL3A1-related conditions. ClinVar contains an entry for this variant (Variation ID: 921592). Invitae Evidence Modeling of protein sequence and biophysical properties (such as structural, functional, and spatial information, amino acid conservation, physicochemical variation, residue mobility, and thermodynamic stability) indicates that this missense variant is not expected to disrupt COL3A1 protein function with a negative predictive value of 95%. In summary, the available evidence is currently insufficient to determine the role of this variant in disease. Therefore, it has been classified as a Variant of Uncertain Significance.

PreventionGenetics, part of Exact Sciences
Classification: Likely pathogenic for COL3A1-related condition. Last evaluated: 2023-09-14. Review status: criteria provided, single submitter. Criteria: ACMG Guidelines, 2015. Collection method: clinical testing. Allele origin: germline.
Comment: The COL3A1 c.3763C>T variant is predicted to result in the amino acid substitution p.Arg1255Cys. To our knowledge, this variant has not been reported in the literature or in a large population database, indicating this variant is rare. A different missense variant affecting the same amino acid (p.Arg1255His) was reported in an individual with sporadic thoracic aortic dissection; however, no additional evidence was provided to support causation (Chen. 2021. PubMed ID: 34047934). Taken together, the c.3763C>T (p.Arg1255Cys) variant is interpreted as likely pathogenic.

All of Us Research Program, National Institutes of Health
Classification: Uncertain significance for Ehlers-Danlos syndrome, type 4. Last evaluated: 2023-04-03. Review status: criteria provided, single submitter. Criteria: ACMG Guidelines, 2015. Collection method: clinical testing. Allele origin: germline. Inheritance: Autosomal dominant inheritance. Observed: 1 variant allele, 1 heterozygote.
Comment: This missense variant replaces arginine with cysteine at codon 1255 of the COL3A1 protein. Computational prediction suggests that this variant may have deleterious impact on protein structure and function (internally defined REVEL score threshold >= 0.7, PMID: 27666373). Splice site prediction tools suggest that this variant may not impact RNA splicing. To our knowledge, functional studies have not been performed for this variant. This variant has not been reported in individuals affected with cardiovascular disorders in the literature. This variant has not been identified in the general population by the Genome Aggregation Database (gnomAD). The available evidence is insufficient to determine the role of this variant in disease conclusively. Therefore, this variant is classified as a Variant of Uncertain Significance.

This study involves interpretation of variants in research participants for the purpose of population health screening. Participant phenotype was not available at the time of variant classification. Additional details can be found in publication PMID: 35346344, PMCID: PMC8962531

Color Diagnostics, LLC DBA Color Health
Classification: Uncertain significance for Familial thoracic aortic aneurysm and aortic dissection. Last evaluated: 2023-03-15. Review status: criteria provided, single submitter. Criteria: ACMG Guidelines, 2015. Collection method: clinical testing. Allele origin: germline.
Comment: This missense variant replaces arginine with cysteine at codon 1255 of the COL3A1 protein. Computational prediction is inconclusive regarding the impact of this variant on protein structure and function (internally defined REVEL score threshold 0.5 < inconclusive < 0.7, PMID: 27666373). To our knowledge, functional studies have not been reported for this variant. This variant has not been reported in individuals affected with COL3A1-related disorders in the literature. This variant has not been identified in the general population by the Genome Aggregation Database (gnomAD). The available evidence is insufficient to determine the role of this variant in disease conclusively. Therefore, this variant is classified as a Variant of Uncertain Significance.